The following is an entry in ClinVar:

ClinVar aggregate classification (germline): Benign/Likely benign. Review status: criteria provided, multiple submitters, no conflicts (2 of 4 stars). 4 submissions from 4 submitters: Benign (1); Likely benign (3). Last evaluated 2025-10-28.

Conditions:
Hereditary cancer-predisposing syndrome. Also called: Hereditary Cancer Syndrome; Hereditary neoplastic syndrome; Neoplastic Syndromes, Hereditary; Tumor predisposition. Identifiers: Orphanet 140162, MedGen C0027672, MeSH D009386, MONDO:0015356.
POLD1-related polyposis and colorectal cancer syndrome (CRCS10). Also called: Colorectal cancer, susceptibility to, 10; Colorectal cancer 10; COLORECTAL CANCER, SUSCEPTIBILITY TO, ON CHROMOSOME 19q. Identifiers: Orphanet 220460, MedGen C2675481, MONDO:0012953, OMIM 612591.

Allele frequency attached by ClinVar (database versions not stated): gnomAD exomes below 0.00001.

Submissions (4):

Labcorp Genetics (formerly Invitae), Labcorp
Classification: Likely benign for POLD1-related polyposis and colorectal cancer syndrome. Last evaluated: 2025-10-28. Review status: criteria provided, single submitter. Criteria: Invitae Variant Classification Sherloc (09022015). Collection method: clinical testing. Allele origin: germline.

Myriad Genetics, Inc.
Classification: Benign for POLD1-related polyposis and colorectal cancer syndrome. Last evaluated: 2025-02-05. Review status: criteria provided, single submitter. Criteria: Myriad Autosomal Dominant, Autosomal Recessive and X-Linked Classification Criteria (2023). Collection method: clinical testing. Allele origin: unknown.
Comment: This variant is considered benign. This variant is a silent/synonymous amino acid change and it is not expected to impact splicing.

Blueprint Genetics
Classification: Likely benign. Last evaluated: 2024-11-25. Review status: criteria provided, single submitter. Criteria: ACMG Guidelines, 2015. Collection method: clinical testing. Allele origin: germline.

Ambry Genetics
Classification: Likely benign for Hereditary cancer-predisposing syndrome. Last evaluated: 2019-08-15. Review status: criteria provided, single submitter. Criteria: Ambry Variant Classification Scheme 2023. Collection method: clinical testing. Allele origin: germline.

NM_002691.4(POLD1):c.1035G>A (p.Gly345=)

Gene: POLD1 (DNA polymerase delta 1, catalytic subunit; plus strand). Cytogenetic location: 19q13.33.
Variant type: single nucleotide variant.
Coding change: c.1035G>A on transcript NM_002691.4 (MANE Select); coding-DNA position 1035, G replaced by A.
Protein change: p.Gly345=; no amino-acid change (glycine 345 retained).
Molecular consequence: synonymous variant. On other transcripts: non-coding transcript variant (1).
Genome position (GRCh38, 1-based): chr19:50,403,117, G>A. VCF-style: chr19-50403117-G-A. GRCh37 (hg19) VCF-style: chr19-50906374-G-A.
Other names: c.1035G>A, p.Gly345= (NM_001256849.1, NM_001308632.1).
Identifiers: ClinVar variation 822054 (VCV000822054.15), dbSNP rs1601204320, ClinGen allele CA508182567.